The following is an entry in ClinVar:

ClinVar aggregate classification (germline): Pathogenic (1 of 4 stars; one submission).

Conditions:
Isolated microphthalmia 5. Also called: Posterior Microphthalmia with Retinitis Pigmentosa, Foveoschisis, and Optic Disc Drusen. Identifiers: Orphanet 251279, MedGen C1970236, MONDO:0012605, OMIM 611040.

Submission:

Labcorp Genetics (formerly Invitae), Labcorp
Classification: Pathogenic for Isolated microphthalmia 5. Last evaluated: 2020-11-14. Review status: criteria provided, single submitter. Criteria: Invitae Variant Classification Sherloc (09022015). Collection method: clinical testing. Allele origin: germline.
Comment: For these reasons, this variant has been classified as Pathogenic. Loss-of-function variants in MFRP are known to be pathogenic (PMID: 12140190, 15976030, 20361016). Similar deletion(s) of exon 1 have been reported in individual(s) with clinical features of MFRP-related conditions (PMID: 28041643). This variant is a gross deletion of the genomic region encompassing exon 1 of the MFRP gene, which includes the initiator codon. The 5' end of this event is unknown as it extends beyond the assayed region for this gene and therefore may encompass additional genes. The 3' boundary is likely confined to intron 1 of the MFRP gene. This is expected to result in an absent or disrupted protein product.

Literature cited by the submitters: PubMed 12140190; PubMed 15976030; PubMed 20361016; PubMed 28041643.

NC_000011.9:g.(?_119217150)_(119217243_?)del

Genes: MFRP (membrane frizzled-related protein; minus strand), C1QTNF5 (C1q and TNF related 5; minus strand). Cytogenetic location: 11q23.3.
Variant type: Deletion.
Identifiers: ClinVar variation 1076240 (VCV001076240.7).